The following is an entry in ClinVar:

NM_004153.4(ORC1):c.237del (p.Pro80fs)

Gene: ORC1 (origin recognition complex subunit 1; minus strand). Cytogenetic location: 1p32.3.
Variant type: Deletion.
Coding change: c.237del on transcript NM_004153.4 (MANE Select); coding-DNA position 237, one base deleted (T; older notation c.237delT).
Protein change: p.Pro80fs; shifts the reading frame from proline 80.
Molecular consequence: frameshift variant.
Genome position (GRCh38, 1-based): chr1:52,397,850, A deleted on the plus strand (T on the coding strand, the reverse complement: ORC1 is on the minus strand). VCF-style (leftmost placement, unchanged base first): chr1-52397849-GA-G. GRCh37 (hg19) VCF-style: chr1-52863521-GA-G.
Other names: c.237del, p.Pro80fs (NM_001190818.2, NM_001190819.2); short protein forms P80fs.
Identifiers: ClinVar variation 1034052 (VCV001034052.2), dbSNP rs1647490038, ClinGen allele CA1166876688.

ClinVar aggregate classification (germline): Pathogenic (1 of 4 stars; one submission).

Conditions:
Meier-Gorlin syndrome 1 (MGORS1). Also called: EAR, PATELLA, SHORT STATURE SYNDROME. Identifiers: Orphanet 2554, MedGen C4552001, MONDO:0009143, OMIM 224690.

Submission:

Baylor Genetics
Classification: Pathogenic for Meier-Gorlin syndrome 1. Last evaluated: 2018-06-05. Review status: criteria provided, single submitter. Criteria: ACMG Guidelines, 2015. Collection method: clinical testing. Allele origin: maternal. Affected: yes.
Comment: This variant was determined to be pathogenic according to ACMG Guidelines, 2015 [PMID:25741868].